The following continues an entry in ClinVar:

NM_020975.6(RET):c.2410G>T (p.Val804Leu)

Gene: RET. ClinVar aggregate classification (germline): Pathogenic. Pathogenic (18).

Submissions 9 to 20 of 20:

All of Us Research Program, National Institutes of Health
Classification: Pathogenic for Multiple endocrine neoplasia, type 2. Last evaluated: 2023-11-13. Review status: criteria provided, single submitter. Criteria: ACMG Guidelines, 2015. Collection method: clinical testing. Allele origin: germline. Inheritance: Autosomal dominant inheritance. Observed: 3 variant alleles, 3 heterozygotes.
Comment: The c.2410G>T (p.Val804Leu) variant in the RET gene results in an amino acid change at residue 804 from Valine to Leucine. This variant has been observed in individuals with medullary thyroid carcinoma (PMID: 7784092, 11932300, 12694233, 15741265, 16343097, 18058472, 18062802, 19469690, 21626080). It has also been observed to segregate with disease in related individuals (PMID:15741265, 11932300, 12694233). However, this variant was also found in some unaffected carriers in the pedigree, suggesting that it may have incomplete penetrance (PMID:11932300, 12694233). Functional studies demonstrated that this variant had a gain-of-function effect on increased level of tyrosine phosphorylation compared to wildtype in one RET isoform and aberrant cell proliferation (PMID: 10445857, 9242375). This variant is rarely present in population databases (gnomAD). Computational prediction suggests that this variant may have deleterious impact on protein structure and function (REVEL score ?0.7). A variant with distinct nucleotide change c.2410G>C, resulting in the same amino acid replacement p.Val804Leu, has been classified as pathogenic (ClinVar ID:38613). Another variant affecting the same amino acid, c.2410G>A (p.Val804Met), have also been classified as pathogenic (ClinVar ID:37102). Therefore, this variant c.2410G>T (p.Val804Leu) in RET is interpreted as pathogenic.

This study involves interpretation of variants in research participants for the purpose of population health screening. Participant phenotype was not available at the time of variant classification. Additional details can be found in publication PMID: 35346344, PMCID: PMC8962531

ARUP Laboratories, Molecular Genetics and Genomics, ARUP Laboratories
Classification: Pathogenic. Last evaluated: 2023-05-15. Review status: criteria provided, single submitter. Criteria: ARUP Molecular Germline Variant Investigation Process 2024. Collection method: clinical testing. Allele origin: germline.
Comment: The RET c.2410G>T; p.Val804Leu variant (rs79658334) has been reported in multiple individuals with familial medullary thyroid carcinoma (Lesueur 2005, Lombardo 2002, Patocs 2003) and multiple endocrine neoplasia type 2A (Learoyd 2005, Patocs 2003), segregating with affected individuals in the families (Learoyd 2005, Lombardo 2002, Patocs 2003). However, this variant was also found in some unaffected carriers in the pedigree, suggesting that it may have incomplete penetrance (Lombardo 2002, Patocs 2003). Functional characterization of the variant protein indicates autophosphorylation and activation of the kinase in the absence of growth factors, resulting in the increased phosphorylation of downstream targets and aberrant cell proliferation (Iwashita 1991, Pasini 1997). This variant is listed as pathogenic by multiple laboratories in ClinVar (Variation ID: 13946), and is only observed on one allele in the Genome Aggregation Database, indicating it is not a common polymorphism. The valine at codon 804 is highly conserved, and computational algorithms (PolyPhen-2, SIFT) predict that this variant is deleterious. Based on available information, the p.Val804Leu variant is considered to be pathogenic. References: Iwashita T et al. Biological and biochemical properties of Ret with kinase domain mutations identified in multiple endocrine neoplasia type 2B and familial medullary thyroid carcinoma. Oncogene. 1991; 18(26):3919-22. Learoyd D et al. Experience of prophylactic thyroidectomy in multiple endocrine neoplasia type 2A kindreds with RET codon 804 mutations. Clin Endocrinol (Oxf). 2005; 63(6):636-41. Lesueur F et al. Germline homozygous mutations at codon 804 in the RET protooncogene in medullary thyroid carcinoma/multiple endocrine neoplasia type 2A patients. J Clin Endocrinol Metab. 2005; 90(6):3454-7. Lombardo F et al. Familial medullary thyroid carcinoma: clinical variability and low aggressiveness associated with RET mutation at codon 804. J Clin Endocrinol Metab. 2002; 87(4):1674-80. Pasini A et al. Oncogenic activation of RET by two distinct FMTC mutations affecting the tyrosine kinase domain. Oncogene. 1997; 15(4):393-402. Patocs A et al. Segregation of the V804L mutation and S836S polymorphism of exon 14 of the RET gene in an extended kindred with familial medullary thyroid cancer. Clin Genet. 2003; 63(3):219-23.

Myriad Genetics, Inc.
Classification: Pathogenic for Multiple endocrine neoplasia type 2A. Last evaluated: 2023-04-18. Review status: criteria provided, single submitter. Criteria: Myriad Autosomal Dominant, Autosomal Recessive and X-Linked Classification Criteria (2023). Collection method: clinical testing. Allele origin: unknown.
Comment: This variant is considered pathogenic. Functional studies indicate this variant impacts protein function [PMID: 9242375]. This variant has been reported in multiple individuals with clinical features of gene-specific disease [PMID: 20497437, 16343097, 11932300, 25810047].

Institute for Genomic Medicine (IGM) Clinical Laboratory, Nationwide Children's Hospital
Classification: Pathogenic for Hereditary cancer-predisposing syndrome. Last evaluated: 2023-02-07. Review status: criteria provided, single submitter. Criteria: ACMG Guidelines, 2015. Collection method: clinical testing. Allele origin: germline.
Comment: A different nucleotide change resulting in the same amino acid substitution has been reported as pathogenic (ACMG/AMP: PS1). Well-established functional studies have demonstrated this variant to have a damaging effect on protein function or splicing (ACMG/AMP: PS3_Moderate; PMIDs:9242375, 10445857). This variant has been reported at an elevated frequency in affected individuals/in multiple affected individuals in the literature (ACMG/AMP: PS4; PMIDs:10235148, 16343097, 18058472, 11932300, 12694233). This variant is absent from or present at an exceedingly low frequency in gnomAD, a large-scale control population database (ACMG/AMP: PM2). A different substitution at this amino acid position has been reported as pathogenic (ACMG/AMP: PM5). This variant has been shown to segregate with disease in multiple affected family members (ACMG/AMP: PP1_Strong; PMIDs:10235148, 16343097, 11932300, 12694233). This variant occurs in a gene with a low rate of benign missense variation, in which missense alterations are a common mechanism of disease (ACMG/AMP: PP2).

GeneDx
Classification: Pathogenic. Last evaluated: 2022-12-14. Review status: criteria provided, single submitter. Criteria: GeneDx Variant Classification Process June 2021. Collection method: clinical testing. Allele origin: germline. Affected: yes.
Comment: Published functional studies demonstrate a damaging effect: increased transforming activity and autophosphorylation (Carlomagno et al., 2004; Iwashita et al., 1999; Kodama et al., 2014; Pasini et al., 1997); Not observed at significant frequency in large population cohorts (gnomAD); In silico analysis supports that this missense variant does not alter protein structure/function; This variant is associated with the following publications: (PMID: 23811235, 7784092, 25637381, 23705946, 16507829, 26269449, 9067749, 23059849, 22162569, 15741265, 10235148, 9242375, 12694233, 20516206, 16532227, 27809725, 26678667, 16343097, 29590403, 31510104, 30624503, 33087929, 14633923, 26046350, 26247112, 11932300, 25349307, 15693160, 10445857, 15184865)

Mayo Clinic Laboratories, Mayo Clinic
Classification: Pathogenic. Last evaluated: 2021-11-29. Review status: criteria provided, single submitter. Criteria: ACMG Guidelines, 2015. Collection method: clinical testing. Allele origin: germline.
Comment: PP1_strong, PP4, PP5, PM1, PM2, PM5, PS3_supporting

Revvity Omics, Revvity
Classification: Pathogenic. Last evaluated: 2019-02-01. Review status: criteria provided, single submitter. Criteria: ACMG Guidelines, 2015. Collection method: clinical testing. Allele origin: germline.

Athena Diagnostics
Classification: Pathogenic. Last evaluated: 2017-11-30. Review status: criteria provided, single submitter. Criteria: Athena Diagnostics Criteria. Collection method: clinical testing. Allele origin: germline.

Eurofins Ntd Llc (ga)
Classification: Pathogenic. Last evaluated: 2017-01-10. Review status: criteria provided, single submitter. Criteria: EGL Classification Definitions 2015. Collection method: clinical testing. Allele origin: germline. Observed: 1 variant allele, 1 heterozygote.

GenePathDx, GenePath diagnostics
Classification: Pathogenic for Familial medullary thyroid carcinoma; Multiple endocrine neoplasia. Last evaluated: 2016-10-01. Review status: criteria provided, single submitter. Criteria: GenePathDx_Criteria_classificationV2. Collection method: clinical testing. Allele origin: germline. Affected: yes. Observed: 1 variant allele.

Counsyl
Classification: Pathogenic for Multiple endocrine neoplasia type 2A. Last evaluated: 2018-03-02. Review status: no assertion criteria provided. Collection method: clinical testing. Allele origin: unknown. Not counted in ClinVar's aggregate classification.

OMIM
Classification: Pathogenic for THYROID CARCINOMA, FAMILIAL MEDULLARY. Last evaluated: 2005-06-01. Review status: no assertion criteria provided. Collection method: literature only. Allele origin: unknown. Not counted in ClinVar's aggregate classification.

Literature cited by the submitters: PubMed 7784092 (cited by 9 submitters); PubMed 10235148 (cited by 6 submitters); PubMed 15741265 (cited by 6 submitters); PubMed 16343097 (cited by 6 submitters); PubMed 18058472 (cited by 4 submitters); PubMed 18062802 (cited by 3 submitters); PubMed 19469690 (cited by Labcorp Genetics (formerly Invitae), Labcorp and All of Us Research Program, National Institutes of Health); PubMed 21626080 (cited by 3 submitters); PubMed 25810047 (cited by 4 submitters); PubMed 26269449 (cited by 4 submitters); PubMed 9242375 (cited by 10 submitters); PubMed 16507829 (cited by Labcorp Genetics (formerly Invitae), Labcorp and Department of Pathology and Laboratory Medicine, Sinai Health System); PubMed 26046350 (cited by 3 submitters); PubMed 8797874 (cited by Labcorp Genetics (formerly Invitae), Labcorp); PubMed 9452077 (cited by Labcorp Genetics (formerly Invitae), Labcorp and Ambry Genetics); PubMed 10876191 (cited by Labcorp Genetics (formerly Invitae), Labcorp); PubMed 10445857 (cited by 4 submitters); PubMed 11932300 (cited by 9 submitters); PubMed 12694233 (cited by 5 submitters); PubMed 20516206 (cited by Color Diagnostics, LLC DBA Color Health); PubMed 16532227 (cited by Ambry Genetics); PubMed 16712668 (cited by Ambry Genetics); PubMed 20087666 (cited by Ambry Genetics); PubMed 24361808 (cited by Ambry Genetics); PubMed 24845513 (cited by Ambry Genetics); PubMed 25637381 (cited by Ambry Genetics); PubMed 26247112 (cited by Ambry Genetics); PubMed 27809725 (cited by Ambry Genetics); PubMed 30624503 (cited by Ambry Genetics); PubMed 9398735 (cited by Ambry Genetics); PubMed 20497437 (cited by Myriad Genetics, Inc.); PubMed 15184865 (cited by Athena Diagnostics and Counsyl); PubMed 8918855 (cited by Counsyl); PubMed 16813623 (cited by Counsyl); PubMed 3697657 (cited by OMIM); PubMed 11589684 (cited by OMIM).